The following is an entry in ClinVar:

ClinVar aggregate classification (germline): Conflicting classifications of pathogenicity. Review status: criteria provided, conflicting classifications (1 of 4 stars). 4 submissions from 4 submitters: Pathogenic (2); Likely pathogenic (1); Uncertain significance (1). Last evaluated 2026-03-05.

Conditions:
Autosomal recessive limb-girdle muscular dystrophy type 2J (LGMDR10). Also called: MUSCULAR DYSTROPHY, LIMB-GIRDLE, AUTOSOMAL RECESSIVE 10; Limb-girdle muscular dystrophy, type 2J. Identifiers: Orphanet 140922, MedGen C1837342, MONDO:0012127, OMIM 608807.
Dilated cardiomyopathy 1G (CMD1G). Identifiers: Orphanet 154, MedGen C1858763, MONDO:0011400, OMIM 604145.
Early-onset myopathy with fatal cardiomyopathy (CMYO5). Also called: CONGENITAL MYOPATHY 5 WITH CARDIOMYOPATHY; Salih Myopathy. Identifiers: Orphanet 289377, MedGen C2673677, MONDO:0012714, OMIM 611705. Disease mechanism: loss of function.

Allele frequency attached by ClinVar (database versions not stated): gnomAD exomes below 0.00001.
gnomAD v4.1: 3 of 1,612,092 alleles (0.00019%); highest among the groups gnomAD compares: South Asian, 0.0011%; no homozygotes.

Submissions (4):

Mendelics
Classification: Pathogenic for Early-onset myopathy with fatal cardiomyopathy. Last evaluated: 2026-03-05. Review status: criteria provided, single submitter. Criteria: ACMG Guidelines, 2015. Collection method: clinical testing. Allele origin: unknown.
Comment: Likely pathogenic/Pathogenic according to ACMG criteria.

Labcorp Genetics (formerly Invitae), Labcorp
Classification: Pathogenic for Dilated cardiomyopathy 1G; Autosomal recessive limb-girdle muscular dystrophy type 2J. Last evaluated: 2025-12-08. Review status: criteria provided, single submitter. Criteria: Invitae Variant Classification Sherloc (09022015). Collection method: clinical testing. Allele origin: germline.
Comment: This sequence change affects a donor splice site in intron 242 of the TTN gene. It is expected to disrupt RNA splicing and likely results in a truncated or disrupted TTN protein. This variant is not present in population databases (gnomAD no frequency). Disruption of this splice site has been observed in individuals with clinical features of autosomal recessive TTN-related conditions (PMID: 33060286; internal data). ClinVar contains an entry for this variant (Variation ID: 1427029). Algorithms developed to predict the effect of sequence changes on RNA splicing suggest that this variant may disrupt the consensus splice site. This variant is located in the I band of TTN (PMID: 25589632). Truncating variants in this region have been reported in individuals affected with autosomal recessive centronuclear myopathy (PMID: 23975875, internal data). Truncating variants in this region have also been identified in individuals affected with autosomal dominant dilated cardiomyopathy and/or cardio-related conditions (PMID: 27869827, 32964742, internal data). For these reasons, this variant has been classified as Pathogenic.

Genomic Medicine Center of Excellence, King Faisal Specialist Hospital and Research Centre
Classification: Uncertain significance for Dilated cardiomyopathy 1G. Last evaluated: 2025-09-10. Review status: criteria provided, single submitter. Criteria: ACMG Guidelines, 2015. Collection method: clinical testing. Allele origin: germline.

Clinical Genetics Service, Universitary Hospital 12 de Octubre
Classification: Likely pathogenic for Autosomal recessive limb-girdle muscular dystrophy type 2J. Review status: criteria provided, single submitter. Criteria: ACMG Guidelines, 2015. Collection method: clinical testing. Allele origin: germline. Affected: yes.

Literature cited by the submitters: PubMed 33060286 (cited by Labcorp Genetics (formerly Invitae), Labcorp); PubMed 25589632 (cited by Labcorp Genetics (formerly Invitae), Labcorp); PubMed 23975875 (cited by Labcorp Genetics (formerly Invitae), Labcorp); PubMed 27869827 (cited by Labcorp Genetics (formerly Invitae), Labcorp); PubMed 32964742 (cited by Labcorp Genetics (formerly Invitae), Labcorp).

NM_001267550.2(TTN):c.44815+1G>A

Gene: TTN (titin; minus strand). Cytogenetic location: 2q31.2.
Variant type: single nucleotide variant.
Coding change: c.44815+1G>A on transcript NM_001267550.2 (MANE Select); the canonical splice donor site of the intron after coding-DNA position 44815, G replaced by A.
Molecular consequence: splice donor variant.
Genome position (GRCh38, 1-based): chr2:178,624,464, C>T on the plus strand (G>A on the coding strand, the complement: TTN is on the minus strand). VCF-style: chr2-178624464-C-T. GRCh37 (hg19) VCF-style: chr2-179489191-C-T.
Other names: c.17620+1G>A (NM_003319.4); c.18196+1G>A (NM_133437.4); c.17995+1G>A (NM_133432.3); c.37111+1G>A (NM_133378.4); c.39892+1G>A (NM_001256850.1).
Identifiers: ClinVar variation 1427029 (VCV001427029.9), dbSNP rs1274007753, ClinGen allele CA349640109.
Genomic context (GRCh38, chr2:178,624,464, plus strand): 5'-TTTGTTGTTGTAGTTATTAAAGAATTGCAAATGAAAAGTCCTTTGTAAGAAGAATACTTA[C>T]GCACGACATTCAGGTTACAGGAAGTCTTAAAATCCTTAGCATCACAAGTGTATGTTTTAA-3'